The following is an entry in ClinVar:

NM_000878.5(IL2RB):c.1427_1428delinsTG (p.Thr476Met)

Gene: IL2RB (interleukin 2 receptor subunit beta; minus strand). Cytogenetic location: 22q12.3.
Variant type: Indel.
Coding change: c.1427_1428delinsTG on transcript NM_000878.5 (MANE Select); coding-DNA positions 1427 to 1428, CC replaced by TG.
Protein change: p.Thr476Met; replaces threonine 476 with methionine.
Molecular consequence: missense variant.
Genome position (GRCh38, 1-based): chr22:37,128,324-37,128,325, GG replaced by CA on the plus strand (CC replaced by TG on the coding strand, the reverse complement: IL2RB is on the minus strand). VCF-style: chr22-37128324-GG-CA. GRCh37 (hg19) VCF-style: chr22-37524364-GG-CA.
Other names: c.1427_1428delinsTG, p.Thr476Met (NM_001346222.1, NM_001346223.2); short protein forms T476M.
Identifiers: ClinVar variation 1404431 (VCV001404431.6), dbSNP rs2146223373, ClinGen allele CA2573158126.
Genomic context (GRCh38, chr22:37,128,324, plus strand): 5'-AGCCTCTCGCAGCACCAGCTCAGGGGGTGGCTGAAAATCCACCAGGTCTGGGACTCCTGG[GG>CA]TGGGAGGCCCCAGGGGCTGGGGGTCCCAGTCTCTGGGGACTCTTTCTTGCAAAGAAGGGG-3'
Protein context (NP_000869.1, residues 466-486): DWDPQPLGPP[Thr476Met]PGVPDLVDFQ

ClinVar aggregate classification (germline): Uncertain significance (1 of 4 stars; one submission).

Submission:

Labcorp Genetics (formerly Invitae), Labcorp
Classification: Uncertain significance. Last evaluated: 2026-01-20. Review status: criteria provided, single submitter. Criteria: Invitae Variant Classification Sherloc (09022015). Collection method: clinical testing. Allele origin: germline.
Comment: This sequence change replaces threonine, which is neutral and polar, with methionine, which is neutral and non-polar, at codon 476 of the IL2RB protein (p.Thr476Met). This variant is present in population databases (no rsID available, gnomAD 0.04%), including at least one homozygous and/or hemizygous individual. This variant has not been reported in the literature in individuals affected with IL2RB-related conditions. ClinVar contains an entry for this variant (Variation ID: 1404431). An algorithm developed to predict the effect of missense changes on protein structure and function (PolyPhen-2) suggests that this variant is likely to be tolerated. In summary, the available evidence is currently insufficient to determine the role of this variant in disease. Therefore, it has been classified as a Variant of Uncertain Significance.